The following is an entry in ClinVar:

NM_022124.6(CDH23):c.5048T>C (p.Phe1683Ser)

Gene: CDH23 (cadherin related 23; plus strand). Cytogenetic location: 10q22.1.
Variant type: single nucleotide variant.
Coding change: c.5048T>C on transcript NM_022124.6 (MANE Select); coding-DNA position 5048, T replaced by C.
Protein change: p.Phe1683Ser; replaces phenylalanine 1683 with serine.
Molecular consequence: missense variant.
Genome position (GRCh38, 1-based): chr10:71,777,882, T>C. VCF-style: chr10-71777882-T-C. GRCh37 (hg19) VCF-style: chr10-73537639-T-C.
Other names: short protein forms F1683S.
Identifiers: ClinVar variation 2499431 (VCV002499431.2), dbSNP rs1249871091, ClinGen allele CA377140432.
Genomic context (GRCh38, chr10:71,777,882, plus strand): 5'-ATGAGGGTCCCAACGGCACAGTCACCTATGCCATCGTCGCAGGCAACATCGTCAACACCT[T>C]CCGCATCGACAGACACATGGTCAGCAGCTGATGGCAGGATCAAGACAAGGGGCGAAACCT-3'
Protein context (NP_071407.4, residues 1673-1693): AIVAGNIVNT[Phe1683Ser]RIDRHMGVIT

ClinVar aggregate classification (germline): Uncertain significance. Review status: criteria provided, single submitter (1 of 4 stars). 2 submissions from 2 submitters: Uncertain significance (1). 1 of the submissions does not count toward it. Last evaluated 2022-10-12.

Conditions:
Retinal dystrophy. Also called: Inherited retinal dystrophy. Identifiers: Orphanet 71862, MedGen C0854723, MeSH D058499, MONDO:0019118, HP:0000556.

Allele frequency attached by ClinVar (database versions not stated): gnomAD exomes below 0.00001; TOPMed below 0.00001.
gnomAD v4.1: 4 of 1,613,720 alleles (0.00025%); highest among the groups gnomAD compares: Non-Finnish European, 0.00034%; no homozygotes.

Submissions (2):

GeneDx
Classification: Uncertain significance. Last evaluated: 2022-10-12. Review status: criteria provided, single submitter. Criteria: GeneDx Variant Classification Process June 2021. Collection method: clinical testing. Allele origin: germline. Affected: yes.
Comment: Not observed at significant frequency in large population cohorts (gnomAD); In silico analysis supports that this missense variant has a deleterious effect on protein structure/function; Has not been previously published as pathogenic or benign to our knowledge

Institute of Human Genetics, Univ. Regensburg, Univ. Regensburg
Classification: Uncertain significance for Retinal dystrophy. Last evaluated: 2022-01-01. Review status: no assertion criteria provided. Criteria: ACMG Guidelines, 2015. Collection method: clinical testing. Allele origin: germline. Affected: yes. Not counted in ClinVar's aggregate classification.